The following is an entry in ClinVar:

ClinVar aggregate classification (germline): Uncertain significance. Review status: criteria provided, multiple submitters, no conflicts (2 of 4 stars). 2 submissions from 2 submitters: Uncertain significance (2). Last evaluated 2026-08-03.

Conditions:
Baller-Gerold syndrome (BGS). Also called: CRANIOSYNOSTOSIS WITH RADIAL DEFECTS. Identifiers: Orphanet 1225, MedGen C0265308, MONDO:0009039, OMIM 218600.
Inborn genetic diseases. Identifiers: MedGen C0950123, MeSH D030342.

Allele frequency attached by ClinVar (database versions not stated): gnomAD exomes below 0.00001; TOPMed 0.00001.

Submissions (2):

Ambry Genetics
Classification: Uncertain significance for Inborn genetic diseases. Last evaluated: 2026-08-03. Review status: criteria provided, single submitter. Criteria: Ambry Variant Classification Scheme 2023. Collection method: clinical testing. Allele origin: germline.
Comment: The p.G1197S variant (also known as c.3589G>A), located in coding exon 21 of the RECQL4 gene, results from a G to A substitution at nucleotide position 3589. The glycine at codon 1197 is replaced by serine, an amino acid with similar properties. This amino acid position is conserved. Based on the available evidence, the clinical significance of this variant remains unclear.

Labcorp Genetics (formerly Invitae), Labcorp
Classification: Uncertain significance for Baller-Gerold syndrome. Last evaluated: 2024-04-08. Review status: criteria provided, single submitter. Criteria: Invitae Variant Classification Sherloc (09022015). Collection method: clinical testing. Allele origin: germline.
Comment: This sequence change replaces glycine, which is neutral and non-polar, with serine, which is neutral and polar, at codon 1197 of the RECQL4 protein (p.Gly1197Ser). This variant is present in population databases (no rsID available, gnomAD 0.0009%). This variant has not been reported in the literature in individuals affected with RECQL4-related conditions. ClinVar contains an entry for this variant (Variation ID: 569344). Advanced modeling of protein sequence and biophysical properties (such as structural, functional, and spatial information, amino acid conservation, physicochemical variation, residue mobility, and thermodynamic stability) performed at Invitae indicates that this missense variant is not expected to disrupt RECQL4 protein function with a negative predictive value of 80%. Algorithms developed to predict the effect of sequence changes on RNA splicing suggest that this variant may create or strengthen a splice site. In summary, the available evidence is currently insufficient to determine the role of this variant in disease. Therefore, it has been classified as a Variant of Uncertain Significance.

NM_004260.4(RECQL4):c.3589G>A (p.Gly1197Ser)

Gene: RECQL4 (RecQ like helicase 4; minus strand). Cytogenetic location: 8q24.3.
Variant type: single nucleotide variant.
Coding change: c.3589G>A on transcript NM_004260.4 (MANE Select); coding-DNA position 3589, G replaced by A.
Protein change: p.Gly1197Ser; replaces glycine 1197 with serine.
Molecular consequence: missense variant.
Genome position (GRCh38, 1-based): chr8:144,511,469, C>T on the plus strand (G>A on the coding strand, the complement: RECQL4 is on the minus strand). VCF-style: chr8-144511469-C-T. GRCh37 (hg19) VCF-style: chr8-145736852-C-T.
Other names: short protein forms G1197S.
Identifiers: ClinVar variation 569344 (VCV000569344.9), dbSNP rs1333144821, ClinGen allele CA372665684.
Genomic context (GRCh38, chr8:144,511,469, plus strand): 5'-GACATCCCCCAATGCAGTGCAGTCAGCGGGCCACCTGCAGGAGCTCTTCCGTGGCCAGGC[C>T]CACCAGGGCATGGAAGCTCAGGTGCAGGTATTTTCTCCAGAAGCGTCGGTCCTGCCCGTA-3'
Protein context (NP_004251.4, residues 1187-1207): YLHLSFHALV[Gly1197Ser]LATEELLQVA